The following is an entry in ClinVar:

NM_020922.5(WNK3):c.2480C>A (p.Ala827Asp)

Gene: WNK3 (WNK lysine deficient protein kinase 3; minus strand). Cytogenetic location: Xp11.22.
Variant type: single nucleotide variant.
Coding change: c.2480C>A on transcript NM_020922.5 (MANE Select); coding-DNA position 2480, C replaced by A.
Protein change: p.Ala827Asp; replaces alanine 827 with aspartic acid.
Molecular consequence: missense variant.
Genome position (GRCh38, 1-based): chrX:54,251,575, G>T on the plus strand (C>A on the coding strand, the complement: WNK3 is on the minus strand). VCF-style: chrX-54251575-G-T. GRCh37 (hg19) VCF-style: chrX-54278008-G-T.
Other names: c.2480C>A, p.Ala827Asp (NM_001002838.4, NM_001395166.1); short protein forms A827D.
Identifiers: ClinVar variation 2468128 (VCV002468128.4), dbSNP rs782314090, ClinGen allele CA10424458.

ClinVar aggregate classification (germline): Uncertain significance. Review status: criteria provided, multiple submitters, no conflicts (2 of 4 stars). 2 submissions from 2 submitters: Uncertain significance (2). Last evaluated 2025-05-14.

Allele frequency attached by ClinVar (database versions not stated): ExAC 0.00001; TOPMed 0.00001.
gnomAD v4.1: 9 of 1,210,560 alleles (0.00074%); highest among the groups gnomAD compares: Admixed American, 0.02%; no homozygotes.

Submissions (2):

Ambry Genetics
Classification: Uncertain significance. Last evaluated: 2025-05-14. Review status: criteria provided, single submitter. Criteria: Ambry Variant Classification Scheme 2023. Collection method: clinical testing. Allele origin: germline.

Women's Health and Genetics/Laboratory Corporation of America, LabCorp
Classification: Uncertain significance. Last evaluated: 2025-03-13. Review status: criteria provided, single submitter. Criteria: LabCorp Variant Classification Summary - May 2015. Collection method: clinical testing. Allele origin: germline.
Comment: Variant summary: WNK3 c.2480C>A (p.Ala827Asp) results in a non-conservative amino acid change in the encoded protein sequence. Four of five in-silico tools predict a benign effect of the variant on protein function. The variant allele was found at a frequency of 2.7e-05 in 182498 control chromosomes. The available data on variant occurrences in the general population are insufficient to allow any conclusion about variant significance. To our knowledge, no occurrence of c.2480C>A in individuals affected with WNK3-Related Disorders and no experimental evidence demonstrating its impact on protein function have been reported. ClinVar contains an entry for this variant (Variation ID: 2468128). Based on the evidence outlined above, the variant was classified as uncertain significance.